The following is an entry in ClinVar:

ClinVar aggregate classification (germline): Uncertain significance (1 of 4 stars; one submission).

Submission:

Labcorp Genetics (formerly Invitae), Labcorp
Classification: Uncertain significance. Last evaluated: 2022-06-20. Review status: criteria provided, single submitter. Criteria: Invitae Variant Classification Sherloc (09022015). Collection method: clinical testing. Allele origin: germline.
Comment: This variant is not present in population databases (gnomAD no frequency). This variant has not been reported in the literature in individuals affected with ITGAM-related conditions. In summary, the available evidence is currently insufficient to determine the role of this variant in disease. Therefore, it has been classified as a Variant of Uncertain Significance. This sequence change creates a premature translational stop signal (p.Ala423Glyfs*25) in the ITGAM gene. It is expected to result in an absent or disrupted protein product. However, the current clinical and genetic evidence is not sufficient to establish whether loss-of-function variants in ITGAM cause disease.

NM_000632.4(ITGAM):c.1267dup (p.Ala423fs)

Gene: ITGAM (integrin subunit alpha M; plus strand). Cytogenetic location: 16p11.2.
Variant type: Duplication.
Coding change: c.1267dup on transcript NM_000632.4 (MANE Select); coding-DNA position 1267, one base duplicated (G; older notation c.1267dupG).
Protein change: p.Ala423fs; shifts the reading frame from alanine 423.
Molecular consequence: frameshift variant.
Genome position (GRCh38, 1-based): chr16:31,278,020, G duplicated; the last of 5 consecutive G bases (chr16:31,278,016-31,278,020); duplicating any one gives the same sequence. VCF-style (leftmost placement, unchanged base first): chr16-31278015-T-TG. GRCh37 (hg19) VCF-style: chr16-31289336-T-TG.
Other names: c.1267dup, p.Ala423fs (NM_001145808.2); short protein forms A423fs.
Identifiers: ClinVar variation 1393641 (VCV001393641.6), dbSNP rs2144314694, ClinGen allele CA2573152301.